The following is an entry in ClinVar:

ClinVar aggregate classification (germline): Likely benign (1 of 4 stars; one submission).

Allele frequency attached by ClinVar (database versions not stated): gnomAD exomes below 0.00001.
gnomAD v4.1: 1 of 1,614,098 alleles (0.000062%); highest among the groups gnomAD compares: Non-Finnish European, 0.000085%; no homozygotes.

Submission:

GeneDx
Classification: Likely benign. Last evaluated: 2018-05-08. Review status: criteria provided, single submitter. Criteria: GeneDx Variant Classification (06012015). Collection method: clinical testing. Allele origin: germline. Affected: yes.
Comment: This variant is considered likely benign or benign based on one or more of the following criteria: it is a conservative change, it occurs at a poorly conserved position in the protein, it is predicted to be benign by multiple in silico algorithms, and/or has population frequency not consistent with disease.

NM_012463.4(ATP6V0A2):c.2148T>C (p.Asp716=)

Gene: ATP6V0A2 (ATPase H+ transporting V0 subunit a2; plus strand). Cytogenetic location: 12q24.31.
Variant type: single nucleotide variant.
Coding change: c.2148T>C on transcript NM_012463.4 (MANE Select); coding-DNA position 2148, T replaced by C.
Protein change: p.Asp716=; no amino-acid change (aspartic acid 716 retained).
Molecular consequence: synonymous variant.
Genome position (GRCh38, 1-based): chr12:123,752,375, T>C. VCF-style: chr12-123752375-T-C. GRCh37 (hg19) VCF-style: chr12-124236922-T-C.
Identifiers: ClinVar variation 668240 (VCV000668240.1), dbSNP rs962207534, ClinGen allele CA245204857.